The following is an entry in ClinVar:

NM_003072.5(SMARCA4):c.3878A>G (p.Glu1293Gly)

Gene: SMARCA4 (SWI/SNF related BAF chromatin remodeling complex subunit ATPase 4; plus strand). Cytogenetic location: 19p13.2.
Variant type: single nucleotide variant.
Coding change: c.3878A>G on transcript NM_003072.5 (MANE Select); coding-DNA position 3878, A replaced by G.
Protein change: p.Glu1293Gly; replaces glutamic acid 1293 with glycine.
Molecular consequence: missense variant. On other transcripts: non-coding transcript variant (1).
Genome position (GRCh38, 1-based): chr19:11,034,127, A>G. VCF-style: chr19-11034127-A-G. GRCh37 (hg19) VCF-style: chr19-11144803-A-G.
Other names: c.3878A>G, p.Glu1293Gly (NM_001128844.3, NM_001128849.3, NM_001387283.1); c.3779A>G, p.Glu1260Gly (NM_001128845.2, NM_001128846.2, NM_001128847.4 and 3 more transcripts); short protein forms E1260G, E1293G.
Identifiers: ClinVar variation 2701229 (VCV002701229.3), dbSNP rs2146677499, ClinGen allele CA404067740.
Genomic context (GRCh38, chr19:11,034,127, plus strand): 5'-GGCCGCCGCCCACCCCGGCCCCTCCTCAGCGGCACTGACAGTTTGCAATCTTATAGGAGG[A>G]AGACGAGGTGCCCGACGACGAGACCGTCAACCAGATGATCGCCCGGCACGAGGAGGAGTT-3'
Protein context (NP_003063.2, residues 1283-1303): PDLEEPPLKE[Glu1293Gly]DEVPDDETVN

ClinVar aggregate classification (germline): Uncertain significance (1 of 4 stars; one submission).

Conditions:
Rhabdoid tumor predisposition syndrome 2 (RTPS2). Identifiers: Orphanet 231108, Orphanet 69077, MedGen C2750074, MONDO:0013224, OMIM 613325.

Submission:

Labcorp Genetics (formerly Invitae), Labcorp
Classification: Uncertain significance for Rhabdoid tumor predisposition syndrome 2. Last evaluated: 2023-12-06. Review status: criteria provided, single submitter. Criteria: Invitae Variant Classification Sherloc (09022015). Collection method: clinical testing. Allele origin: germline.
Comment: This sequence change replaces glutamic acid, which is acidic and polar, with glycine, which is neutral and non-polar, at codon 1293 of the SMARCA4 protein (p.Glu1293Gly). This variant is not present in population databases (gnomAD no frequency). This variant has not been reported in the literature in individuals affected with SMARCA4-related conditions. Advanced modeling of protein sequence and biophysical properties (such as structural, functional, and spatial information, amino acid conservation, physicochemical variation, residue mobility, and thermodynamic stability) performed at Invitae indicates that this missense variant is expected to disrupt SMARCA4 protein function with a positive predictive value of 95%. In summary, the available evidence is currently insufficient to determine the role of this variant in disease. Therefore, it has been classified as a Variant of Uncertain Significance.